The following is an entry in ClinVar:

NM_002234.4(KCNA5):c.314G>T (p.Gly105Val)

Gene: KCNA5 (potassium voltage-gated channel subfamily A member 5; plus strand). Cytogenetic location: 12p13.32.
Variant type: single nucleotide variant.
Coding change: c.314G>T on transcript NM_002234.4 (MANE Select); coding-DNA position 314, G replaced by T.
Protein change: p.Gly105Val; replaces glycine 105 with valine.
Molecular consequence: missense variant.
Genome position (GRCh38, 1-based): chr12:5,044,461, G>T. VCF-style: chr12-5044461-G-T. GRCh37 (hg19) VCF-style: chr12-5153627-G-T.
Other names: short protein forms G105V.
Identifiers: ClinVar variation 1921888 (VCV001921888.5), dbSNP rs747649266, ClinGen allele CA6399591.

ClinVar aggregate classification (germline): Uncertain significance (1 of 4 stars; one submission).

Conditions:
Atrial fibrillation, familial, 7 (ATFB7). Identifiers: MedGen C2677106, MONDO:0012828, OMIM 612240.

Allele frequency attached by ClinVar (database versions not stated): gnomAD exomes below 0.00001; ExAC 0.00001; gnomAD 0.00001.

Submission:

Labcorp Genetics (formerly Invitae), Labcorp
Classification: Uncertain significance for Atrial fibrillation, familial, 7. Last evaluated: 2022-01-21. Review status: criteria provided, single submitter. Criteria: Invitae Variant Classification Sherloc (09022015). Collection method: clinical testing. Allele origin: germline.
Comment: In summary, the available evidence is currently insufficient to determine the role of this variant in disease. Therefore, it has been classified as a Variant of Uncertain Significance. Algorithms developed to predict the effect of missense changes on protein structure and function are either unavailable or do not agree on the potential impact of this missense change (SIFT: "Deleterious"; PolyPhen-2: "Benign"; Align-GVGD: "Class C0"). This variant has not been reported in the literature in individuals affected with KCNA5-related conditions. The frequency data for this variant in the population databases is considered unreliable, as metrics indicate poor data quality at this position in the gnomAD database. This sequence change replaces glycine, which is neutral and non-polar, with valine, which is neutral and non-polar, at codon 105 of the KCNA5 protein (p.Gly105Val).